The following is an entry in ClinVar:

ClinVar aggregate classification (germline): Pathogenic (1 of 4 stars; one submission).

Conditions:
Irido-corneo-trabecular dysgenesis (ASGD5). Also called: ANTERIOR SEGMENT DYSGENESIS 5. Identifiers: Orphanet 708, MedGen C0344559, MONDO:0011414, OMIM 604229, HP:0000659.
Aniridia 1 (AN1). Identifiers: Orphanet 250923, MedGen C0344542, MONDO:0024507, OMIM 106210.

Submission:

Labcorp Genetics (formerly Invitae), Labcorp
Classification: Pathogenic for Aniridia 1; Irido-corneo-trabecular dysgenesis. Last evaluated: 2020-11-16. Review status: criteria provided, single submitter. Criteria: Invitae Variant Classification Sherloc (09022015). Collection method: clinical testing. Allele origin: germline.
Comment: This sequence change creates a premature translational stop signal (p.Asp115Glufs*10) in the PAX6 gene. It is expected to result in an absent or disrupted protein product. Loss-of-function variants in PAX6 are known to be pathogenic (PMID: 12634864). This variant is not present in population databases (ExAC no frequency). This variant has not been reported in the literature in individuals with PAX6-related conditions. For these reasons, this variant has been classified as Pathogenic.

Literature cited by the submitters: PubMed 12634864.

NM_001368894.2(PAX6):c.385_386dup (p.Asp129fs)

Gene: PAX6 (paired box 6; minus strand). Cytogenetic location: 11p13.
Variant type: Duplication.
Coding change: c.385_386dup on transcript NM_001368894.2 (MANE Select); coding-DNA positions 385 to 386, 2 bases duplicated (GA; older notation c.385_386dupGA).
Protein change: p.Asp129fs; shifts the reading frame from aspartic acid 129.
Molecular consequence: frameshift variant. On other transcripts: 5 prime UTR variant (14), non-coding transcript variant (2), intron variant (8).
Genome position (GRCh38, 1-based): chr11:31,801,574-31,801,575, TC duplicated on the plus strand (GA on the coding strand, the reverse complement: PAX6 is on the minus strand). VCF-style (leftmost placement, unchanged base first): chr11-31801573-A-ATC. GRCh37 (hg19) VCF-style: chr11-31823121-A-ATC.
Other names: c.343_344dup, p.Asp115fs (NM_000280.6, NM_001127612.3, NM_001258464.2 and 10 more transcripts); c.385_386dup, p.Asp129fs (NM_001258462.3, NM_001258463.2, NM_001310158.2 and 6 more transcripts); c.-397_-396dup (NM_001310160.2, NM_001368902.2, NM_001368905.2); c.-66_-65dup (NM_001310161.3, NM_001368899.2, NM_001368900.2 and 8 more transcripts); c.586_587dup, p.Asp196fs (NM_001368910.2); c.388_389dup, p.Asp130fs (NM_001368911.2); c.460_461dup, p.Asp154fs (NM_001368918.2, NM_001368919.2); c.418_419dup, p.Asp140fs (NM_001368920.2); and 2 more; short protein forms D115fs, D140fs, D129fs, D130fs, D154fs, D196fs.
Identifiers: ClinVar variation 1429880 (VCV001429880.7), dbSNP rs2135088191, ClinGen allele CA2573146190.
Genomic context (GRCh38, chr11:31,801,573, plus strand): 5'-GAGCATTGGGCTTAGGGCAGGGAGGGCAGATGTTCTCAATGAACTTACGCTTGGTATGTT[A>ATC]TCGTTGGTACAGACCCCCTCGGACAGTAATCTGTCTCGGATTTCCCAAGCAAAGATGGAC-3'